The following is an entry in ClinVar:

ClinVar aggregate classification (germline): Uncertain significance. Review status: criteria provided, multiple submitters, no conflicts (2 of 4 stars). 2 submissions from 2 submitters: Uncertain significance (2). Last evaluated 2022-10-13.

Conditions:
Inborn genetic diseases. Identifiers: MedGen C0950123, MeSH D030342.
Mitochondrial hypertrophic cardiomyopathy with lactic acidosis due to MTO1 deficiency. Also called: CARDIOMYOPATHY, INFANTILE HYPERTROPHIC MITOCHONDRIAL, AND LACTIC ACIDOSIS; Combined oxidative phosphorylation deficiency 10. Identifiers: Orphanet 314637, MedGen C4749921, MONDO:0013865, OMIM 614702.

Allele frequency attached by ClinVar (database versions not stated): TOPMed 0.00001; gnomAD 0.00002.
gnomAD v4.1: 22 of 1,613,776 alleles (0.0014%); highest among the groups gnomAD compares: Middle Eastern, 0.017%; no homozygotes.

Submissions (2):

Labcorp Genetics (formerly Invitae), Labcorp
Classification: Uncertain significance for Mitochondrial hypertrophic cardiomyopathy with lactic acidosis due to MTO1 deficiency. Last evaluated: 2022-10-13. Review status: criteria provided, single submitter. Criteria: Invitae Variant Classification Sherloc (09022015). Collection method: clinical testing. Allele origin: germline.
Comment: This sequence change replaces aspartic acid, which is acidic and polar, with asparagine, which is neutral and polar, at codon 292 of the MTO1 protein (p.Asp292Asn). This variant is not present in population databases (gnomAD no frequency). This variant has not been reported in the literature in individuals affected with MTO1-related conditions. Advanced modeling of protein sequence and biophysical properties (such as structural, functional, and spatial information, amino acid conservation, physicochemical variation, residue mobility, and thermodynamic stability) performed at Invitae indicates that this missense variant is not expected to disrupt MTO1 protein function. In summary, the available evidence is currently insufficient to determine the role of this variant in disease. Therefore, it has been classified as a Variant of Uncertain Significance.

Ambry Genetics
Classification: Uncertain significance for Inborn genetic diseases. Last evaluated: 2022-02-10. Review status: criteria provided, single submitter. Criteria: Ambry Variant Classification Scheme 2023. Collection method: clinical testing. Allele origin: germline.

NM_012123.4(MTO1):c.874G>A (p.Asp292Asn)

Gene: MTO1 (mitochondrial tRNA translation optimization 1; plus strand). Cytogenetic location: 6q13.
Variant type: single nucleotide variant.
Coding change: c.874G>A on transcript NM_012123.4 (MANE Select); coding-DNA position 874, G replaced by A.
Protein change: p.Asp292Asn; replaces aspartic acid 292 with asparagine.
Molecular consequence: missense variant.
Genome position (GRCh38, 1-based): chr6:73,479,780, G>A. VCF-style: chr6-73479780-G-A. GRCh37 (hg19) VCF-style: chr6-74189503-G-A.
Other names: c.874G>A, p.Asp292Asn (NM_001123226.2, NM_133645.3); c.874G>A (NM_001123226.1); short protein forms D292N.
Identifiers: ClinVar variation 2137907 (VCV002137907.2), dbSNP rs1392975947, ClinGen allele CA364714402.
Genomic context (GRCh38, chr6:73,479,780, plus strand): 5'-ACTGTTTTTTAGCCAGAAGATCAGCTGCCATGTTACTTGACTCACACCAACCCTAGAGTG[G>A]ATGAGATTGTCCTTAAGAACCTTCACCTTAATAGTCATGTTAAAGAAACGACAAGAGGAC-3'
Protein context (NP_036255.2, residues 282-302): CYLTHTNPRV[Asp292Asn]EIVLKNLHLN